The following is an entry in ClinVar:

ClinVar aggregate classification (germline): Uncertain significance (1 of 4 stars; one submission).

Submission:

Labcorp Genetics (formerly Invitae), Labcorp
Classification: Uncertain significance. Last evaluated: 2024-02-25. Review status: criteria provided, single submitter. Criteria: Invitae Variant Classification Sherloc (09022015). Collection method: clinical testing. Allele origin: germline.
Comment: This sequence change replaces glycine, which is neutral and non-polar, with arginine, which is basic and polar, at codon 80 of the DLL1 protein (p.Gly80Arg). This variant is not present in population databases (gnomAD no frequency). This variant has not been reported in the literature in individuals affected with DLL1-related conditions. An algorithm developed to predict the effect of missense changes on protein structure and function (PolyPhen-2) suggests that this variant is likely to be disruptive. In summary, the available evidence is currently insufficient to determine the role of this variant in disease. Therefore, it has been classified as a Variant of Uncertain Significance.

NM_005618.4(DLL1):c.238G>C (p.Gly80Arg)

Gene: DLL1 (delta like canonical Notch ligand 1; minus strand). Cytogenetic location: 6q27.
Variant type: single nucleotide variant.
Coding change: c.238G>C on transcript NM_005618.4 (MANE Select); coding-DNA position 238, G replaced by C.
Protein change: p.Gly80Arg; replaces glycine 80 with arginine.
Molecular consequence: missense variant.
Genome position (GRCh38, 1-based): chr6:170,289,625, C>G on the plus strand (G>C on the coding strand, the complement: DLL1 is on the minus strand). VCF-style: chr6-170289625-C-G. GRCh37 (hg19) VCF-style: chr6-170598713-C-G.
Other names: short protein forms G80R.
Identifiers: ClinVar variation 3642147 (VCV003642147.2).
Genomic context (GRCh38, chr6:170,289,625, plus strand): 5'-CGCCCCCGCCGTCGGGCAGACTGAAGGAGTCGACGCCCAGCACGGGGGTGACGGCGCTGC[C>G]GTAGGTGCAGGGCGGCTCGGGGGACACGCTGGCCTGGTAGTGCTTGAGGCACACGCGGAA-3'
Protein context (NP_005609.3, residues 70-90): SVSPEPPCTY[Gly80Arg]SAVTPVLGVD